The following is an entry in ClinVar:

NM_001458.5(FLNC):c.6130G>T (p.Val2044Leu)

Genes: FLNC-AS1 (FLNC antisense RNA 1; minus strand), FLNC (filamin C; plus strand). Cytogenetic location: 7q32.1.
Variant type: single nucleotide variant.
Coding change: c.6130G>T on transcript NM_001458.5 (MANE Select); coding-DNA position 6130, G replaced by T.
Protein change: p.Val2044Leu; replaces valine 2044 with leucine.
Molecular consequence: missense variant.
Genome position (GRCh38, 1-based): chr7:128,852,953, G>T. VCF-style: chr7-128852953-G-T. GRCh37 (hg19) VCF-style: chr7-128493007-G-T.
Other names: c.6031G>T, p.Val2011Leu (NM_001127487.2); short protein forms V2011L, V2044L.
Identifiers: ClinVar variation 2947137 (VCV002947137.3), dbSNP rs1808885776, ClinGen allele CA369211346.

ClinVar aggregate classification (germline): Uncertain significance (1 of 4 stars; one submission).

Conditions:
Hypertrophic cardiomyopathy 26. Also called: Cardiomyopathy, familial hypertrophic, 26. Identifiers: Orphanet 75249, MedGen C4310749, MONDO:0014883, OMIM 617047.
Myofibrillar myopathy 5. Also called: Filaminopathy (type); FILAMINOPATHY, AUTOSOMAL DOMINANT. Identifiers: Orphanet 171445, MedGen C1836050, MONDO:0012289, OMIM 609524.
Distal myopathy with posterior leg and anterior hand involvement. Also called: WILLIAMS DISTAL MYOPATHY. Identifiers: Orphanet 63273, MedGen C3279722, MONDO:0013550, OMIM 614065.

Submission:

Labcorp Genetics (formerly Invitae), Labcorp
Classification: Uncertain significance for Distal myopathy with posterior leg and anterior hand involvement; Myofibrillar myopathy 5; Hypertrophic cardiomyopathy 26. Last evaluated: 2023-04-26. Review status: criteria provided, single submitter. Criteria: Invitae Variant Classification Sherloc (09022015). Collection method: clinical testing. Allele origin: germline.
Comment: Advanced modeling of protein sequence and biophysical properties (such as structural, functional, and spatial information, amino acid conservation, physicochemical variation, residue mobility, and thermodynamic stability) has been performed at Invitae for this missense variant, however the output from this modeling did not meet the statistical confidence thresholds required to predict the impact of this variant on FLNC protein function. In summary, the available evidence is currently insufficient to determine the role of this variant in disease. Therefore, it has been classified as a Variant of Uncertain Significance. Algorithms developed to predict the effect of sequence changes on RNA splicing suggest that this variant may disrupt the consensus splice site. This variant has not been reported in the literature in individuals affected with FLNC-related conditions. This variant is not present in population databases (gnomAD no frequency). This sequence change replaces valine, which is neutral and non-polar, with leucine, which is neutral and non-polar, at codon 2044 of the FLNC protein (p.Val2044Leu).